The following is an entry in ClinVar:

ClinVar aggregate classification (germline): Conflicting classifications of pathogenicity. Review status: criteria provided, conflicting classifications (1 of 4 stars). 10 submissions from 10 submitters: Uncertain significance (3); Benign (2); Likely benign (5). Last evaluated 2026-02-03.

Conditions:
BARD1-related disorder. Also called: BARD1-related condition.
Hereditary cancer-predisposing syndrome. Also called: Neoplastic Syndromes, Hereditary; Tumor predisposition; Hereditary neoplastic syndrome; Hereditary Cancer Syndrome. Identifiers: Orphanet 140162, MedGen C0027672, MeSH D009386, MONDO:0015356.
Hereditary breast ovarian cancer syndrome. Also called: Hereditary breast and/or ovarian cancer syndrome; Hereditary breast and ovarian cancer syndrome; Hereditary breast and ovarian cancer; Hereditary breast and ovarian cancer syndrome (HBOC); Breast and ovarian cancer; BRCA1- and BRCA2-Associated Hereditary Breast and Ovarian Cancer. Identifiers: Orphanet 145, MedGen C0677776, MeSH D061325, MONDO:0003582. Disease mechanism: loss of function.
Familial cancer of breast. Also called: Hereditary breast cancer; BREAST CANCER, FAMILIAL; hereditary breast carcinoma. Identifiers: Orphanet 227535, MedGen C0346153, MONDO:0016419, OMIM 114480. Disease mechanism: loss of function.

Allele frequency attached by ClinVar (database versions not stated): TOPMed 0.00001; gnomAD 0.00003; ESP Exome Variant Server 0.00008.
gnomAD v4.1: 8 of 1,610,658 alleles (0.0005%); highest among the groups gnomAD compares: South Asian, 0.0011%; no homozygotes.

Submissions (10):

PreventionGenetics, part of Exact Sciences
Classification: Likely benign for BARD1-related condition. Last evaluated: 2026-02-03. Review status: criteria provided, single submitter. Criteria: ACMG Guidelines, 2015. Collection method: clinical testing. Allele origin: germline.
Comment: This variant is classified as likely benign based on ACMG/AMP sequence variant interpretation guidelines (Richards et al. 2015 PMID: 25741868, with internal and published modifications).

Labcorp Genetics (formerly Invitae), Labcorp
Classification: Likely benign for Familial cancer of breast. Last evaluated: 2026-01-19. Review status: criteria provided, single submitter. Criteria: Invitae Variant Classification Sherloc (09022015). Collection method: clinical testing. Allele origin: germline.

Center for Genomic Medicine, Rigshospitalet, Copenhagen University Hospital
Classification: Likely benign. Last evaluated: 2025-12-29. Review status: criteria provided, single submitter. Criteria: ACMG Guidelines, 2015. Collection method: clinical testing. Allele origin: germline.

Women's Health and Genetics/Laboratory Corporation of America, LabCorp
Classification: Likely benign. Last evaluated: 2025-04-16. Review status: criteria provided, single submitter. Criteria: LabCorp Variant Classification Summary - May 2015. Collection method: clinical testing. Allele origin: germline.

Ambry Genetics
Classification: Uncertain significance for Hereditary cancer-predisposing syndrome. Last evaluated: 2025-01-29. Review status: criteria provided, single submitter. Criteria: Ambry Variant Classification Scheme 2023. Collection method: clinical testing. Allele origin: germline.
Comment: The c.1904-5G>A intronic variant results from a G to A substitution 5 nucleotides upstream from coding exon 10 in the BARD1 gene. This nucleotide position is not well conserved in available vertebrate species. In silico splice site analysis predicts that this alteration will not have any significant effect on splicing. Based on the available evidence, the clinical significance of this variant remains unclear.

Myriad Genetics, Inc.
Classification: Benign for Familial cancer of breast. Last evaluated: 2024-07-29. Review status: criteria provided, single submitter. Criteria: Myriad Autosomal Dominant, Autosomal Recessive and X-Linked Classification Criteria (2023). Collection method: clinical testing. Allele origin: unknown.
Comment: This variant is considered benign. This variant is intronic and is not expected to impact mRNA splicing. This variant is strongly associated with less severe personal and family histories of cancer, typical for individuals without pathogenic variants in this gene [PMID: 25085752].

Department of Pathology and Laboratory Medicine, Sinai Health System
Classification: Uncertain significance for Hereditary breast ovarian cancer syndrome. Last evaluated: 2023-10-10. Review status: criteria provided, single submitter. Criteria: ACMG Guidelines, 2015. Collection method: clinical testing. Allele origin: germline. Affected: yes.

Sema4
Classification: Uncertain significance for Hereditary cancer-predisposing syndrome. Last evaluated: 2021-12-16. Review status: criteria provided, single submitter. Criteria: Sema4 Curation Guidelines. Collection method: curation. Allele origin: germline.
Comment: The BARD1 c.1904-5G>A variant has not been reported in the literature to our knowledge. This variant was observed in 2/128964 chromosomes in the Non-Finnish European subpopulation according to the Genome Aggregation Database (PMID: 32461654). This variant has been reported in ClinVar (Variation ID: 185614). Algorithms developed to predict the effect of sequence changes on RNA splicing suggest that this variant does not impact splicing, though these predictions have not been confirmed by functional studies. The evidence is insufficient to meet ACMG/AMP criteria for classifying the variant as benign or pathogenic. Thus, the clinical significance of this variant is currently uncertain.

Color Diagnostics, LLC DBA Color Health
Classification: Likely benign for Hereditary cancer-predisposing syndrome. Last evaluated: 2017-06-02. Review status: criteria provided, single submitter. Criteria: ACMG Guidelines, 2015. Collection method: clinical testing. Allele origin: germline.

GeneDx
Classification: Benign. Last evaluated: 2015-03-03. Review status: criteria provided, single submitter. Criteria: GeneDx Variant Classification Process June 2021. Collection method: clinical testing. Allele origin: germline. Affected: yes.

Literature cited by the submitters: PubMed 25085752 (cited by Myriad Genetics, Inc.).

NM_000465.4(BARD1):c.1904-5G>A

Gene: BARD1 (BRCA1 associated RING domain 1; minus strand). Cytogenetic location: 2q35.
Variant type: single nucleotide variant.
Coding change: c.1904-5G>A on transcript NM_000465.4 (MANE Select); 5 bases into the intron before coding-DNA position 1904, G replaced by A.
Molecular consequence: intron variant.
Genome position (GRCh38, 1-based): chr2:214,730,513, C>T on the plus strand (G>A on the coding strand, the complement: BARD1 is on the minus strand). VCF-style: chr2-214730513-C-T. GRCh37 (hg19) VCF-style: chr2-215595237-C-T.
Other names: c.1904-5G>A (LRG_297t1); c.494-5G>A (NM_001282548.2); c.1847-5G>A (NM_001282543.2); c.551-5G>A (NM_001282545.2); c.365-5G>A (NM_001282549.2).
Identifiers: ClinVar variation 185614 (VCV000185614.29), dbSNP rs376639978, ClinGen allele CA192419.
Genomic context (GRCh38, chr2:214,730,513, plus strand): 5'-AATTTCATACTTTTCTTCCTGTTCACATACTTTTCTTCGTAGACATGCTTTTACCCCTGA[C>T]AAAAACACAAGAATTAAAGCAAACTAAGTATCAAGTGAGCACTATATCTCTCTCATTAAA-3'